The following is an entry in ClinVar:

NM_023110.3(FGFR1):c.2071T>A (p.Trp691Arg)

Gene: FGFR1 (fibroblast growth factor receptor 1; minus strand). Cytogenetic location: 8p11.23.
Variant type: single nucleotide variant.
Coding change: c.2071T>A on transcript NM_023110.3 (MANE Select); coding-DNA position 2071, T replaced by A.
Protein change: p.Trp691Arg; replaces tryptophan 691 with arginine.
Molecular consequence: missense variant.
Genome position (GRCh38, 1-based): chr8:38,414,267, A>T on the plus strand (T>A on the coding strand, the complement: FGFR1 is on the minus strand). VCF-style: chr8-38414267-A-T. GRCh37 (hg19) VCF-style: chr8-38271785-A-T.
Other names: c.2065T>A, p.Trp689Arg (NM_001174063.2, NM_001174065.2, NM_001354367.2 and 1 more transcripts); c.2041T>A, p.Trp681Arg (NM_001174064.2); c.1804T>A, p.Trp602Arg (NM_001174066.2, NM_023105.3); c.2164T>A, p.Trp722Arg (NM_001174067.2); c.1792T>A, p.Trp598Arg (NM_001354368.2); c.2059T>A, p.Trp687Arg (NM_001354369.2, NM_001410922.1); c.1798T>A, p.Trp600Arg (NM_001354370.2, NM_023106.3); short protein forms W598R, W600R, W602R, W681R, W687R, W689R, W691R, W722R.
Identifiers: ClinVar variation 3756092 (VCV003756092.2).
Genomic context (GRCh38, chr8:38,414,267, plus strand): 5'-TGAAAAGTTCCTCCACAGGCACACCGGGGTATGGGGAGCCGCCCAGAGTGAAGATCTCCC[A>T]CAGGAGCACCCCGAAAGACCACCTGCAAATGGGCGGAGAGCCACAGGGTGTTAGAGCTTC-3'
Protein context (NP_075598.2, residues 681-701): SDVWSFGVLL[Trp691Arg]EIFTLGGSPY

ClinVar aggregate classification (germline): Uncertain significance (1 of 4 stars; one submission).

Conditions:
Hypogonadotropic hypogonadism 2 with or without anosmia (HH2). Also called: HYPOGONADOTROPIC HYPOGONADISM 2 WITH OR WITHOUT ANOSMIA, SUSCEPTIBILITY TO; HYPOGONADOTROPIC HYPOGONADISM 2 WITHOUT ANOSMIA, SUSCEPTIBILITY TO; FGFR1-Related GnRH Deficiency (Kallmann Syndrome 2); HYPOGONADOTROPIC HYPOGONADISM 2 WITHOUT ANOSMIA. Identifiers: Orphanet 478, MedGen C1563720, MONDO:0007844, OMIM 147950. Disease mechanism: loss of function.
Pfeiffer syndrome (ACS5). Also called: ACS V. Identifiers: Orphanet 710, MedGen C0220658, MONDO:0007043, OMIM 101600.

Submission:

Labcorp Genetics (formerly Invitae), Labcorp
Classification: Uncertain significance for Pfeiffer syndrome; Hypogonadotropic hypogonadism 2 with or without anosmia. Last evaluated: 2024-04-27. Review status: criteria provided, single submitter. Criteria: Invitae Variant Classification Sherloc (09022015). Collection method: clinical testing. Allele origin: germline.
Comment: This sequence change replaces tryptophan, which is neutral and slightly polar, with arginine, which is basic and polar, at codon 691 of the FGFR1 protein (p.Trp691Arg). This variant is not present in population databases (gnomAD no frequency). This missense change has been observed in individual(s) with Kallman syndrome (Invitae). Advanced modeling of protein sequence and biophysical properties (such as structural, functional, and spatial information, amino acid conservation, physicochemical variation, residue mobility, and thermodynamic stability) performed at Invitae indicates that this missense variant is expected to disrupt FGFR1 protein function with a positive predictive value of 95%. Experimental studies have shown that this missense change affects FGFR1 function (PMID: 21479780). In summary, the available evidence is currently insufficient to determine the role of this variant in disease. Therefore, it has been classified as a Variant of Uncertain Significance.

Literature cited by the submitters: PubMed 21479780.